The following is an entry in ClinVar:

ClinVar aggregate classification (germline): Pathogenic (0 of 4 stars; one submission).

Conditions:
Motor developmental delay due to 14q32.2 paternally expressed gene defect. Also called: Temple syndrome; Maternal UPD14. Identifiers: Orphanet 254516, MedGen C4015558, MONDO:0014541, OMIM 616222.

Submission:

Medicover Genetics GmbH, Medicover Humangenetik Berlin-Lichtenberg MVZ
Classification: Pathogenic for Motor developmental delay due to 14q32.2 paternally expressed gene defect. Last evaluated: 2023-08-15. Review status: no assertion criteria provided. Collection method: clinical testing. Allele origin: unknown. Inheritance: Autosomal dominant inheritance. Affected: yes. Observed: 1 variant allele, 1 heterozygote.
Comment: de novo

Literature cited by the submitters: PubMed 24801763; PubMed 28575647; PubMed 31145572.

GRCh37/hg19 14q32.2-32.31(chr14:100397006-101488936)x1

Genes: DEGS2 (delta 4-desaturase, sphingolipid 2; minus strand), BEGAIN (brain enriched guanylate kinase associated; minus strand), DLK1 (delta like non-canonical Notch ligand 1; plus strand), EML1 (EMAP like 1; plus strand), EVL (Enah/Vasp-like; plus strand) and 22 more. Cytogenetic location: 14q32.2-32.31.
Variant type: copy number loss.
Change: copy number 1 (one copy instead of two) of chr14:100,397,006-101,488,936 (1.09 Mb, GRCh37 coordinates, 1-based), cytogenetic band 14q32.2-32.31.
Identifiers: ClinVar variation 2578330 (VCV002578330.3).